The following is an entry in ClinVar:

NM_000218.3(KCNQ1):c.1394-16311G>A

Genes: KCNQ1 (potassium voltage-gated channel subfamily Q member 1; plus strand), KCNQ1OT1 (KCNQ1 opposite strand/antisense transcript 1; minus strand). Cytogenetic location: 11p15.5.
Variant type: single nucleotide variant.
Coding change: c.1394-16311G>A on transcript NM_000218.3 (MANE Select); 16311 bases into the intron before coding-DNA position 1394, G replaced by A.
Molecular consequence: intron variant.
Genome position (GRCh38, 1-based): chr11:2,645,650, G>A. VCF-style: chr11-2645650-G-A. GRCh37 (hg19) VCF-style: chr11-2666880-G-A.
Other names: c.1124-16311G>A (NM_001406837.1); c.1298-16311G>A (NM_001406836.1); c.854-16311G>A (NM_001406838.1); c.1013-16311G>A (NM_181798.2).
Identifiers: ClinVar variation 1711286 (VCV001711286.30), dbSNP rs757125831, ClinGen allele CA216158130.

ClinVar aggregate classification (germline): Benign (1 of 4 stars; one submission).

Allele frequency attached by ClinVar (database versions not stated): gnomAD 0.00090; gnomAD exomes 0.00097; TOPMed 0.00077.
gnomAD v4.1: 388 of 398,626 alleles (0.097%); highest among the groups gnomAD compares: Middle Eastern, 0.19%; 1 homozygote.

Submission:

CeGaT Center for Human Genetics Tuebingen
Classification: Benign. Last evaluated: 2026-09-01. Review status: criteria provided, single submitter. Criteria: CeGaT Center For Human Genetics Tuebingen Variant Classification Criteria Version 2. Collection method: clinical testing. Allele origin: germline. Affected: yes. Observed: 24 variant alleles.
Comment: KCNQ1OT1: BS1, BS2